The following is an entry in ClinVar:

NM_000059.4(BRCA2):c.9649-3C>T

Gene: BRCA2 (BRCA2 DNA repair associated; plus strand). Cytogenetic location: 13q13.1.
Variant type: single nucleotide variant.
Coding change: c.9649-3C>T on transcript NM_000059.4 (MANE Select); 3 bases into the intron before coding-DNA position 9649, C replaced by T.
Molecular consequence: intron variant.
Genome position (GRCh38, 1-based): chr13:32,398,159, C>T. VCF-style: chr13-32398159-C-T. GRCh37 (hg19) VCF-style: chr13-32972296-C-T.
Other names: c.9649-3C>T (NM_001432077.1); c.9598-3C>T (NM_001406720.1); c.9553-3C>T (NM_001406719.1); c.4717-3C>T (NM_001406721.1); c.3232-3C>T (NM_001406722.1).
Identifiers: ClinVar variation 4706142 (VCV004706142.1).

ClinVar aggregate classification (germline): Uncertain significance (1 of 4 stars; one submission).

Conditions:
Hereditary breast ovarian cancer syndrome. Also called: BRCA1- and BRCA2-Associated Hereditary Breast and Ovarian Cancer; Breast and ovarian cancer; Hereditary breast and ovarian cancer; Hereditary breast and ovarian cancer syndrome (HBOC); Hereditary breast and ovarian cancer syndrome; Hereditary breast and/or ovarian cancer syndrome. Identifiers: Orphanet 145, MedGen C0677776, MeSH D061325, MONDO:0003582. Disease mechanism: loss of function.

gnomAD v4.1: 6 of 1,603,746 alleles (0.00037%); highest among the groups gnomAD compares: South Asian, 0.0067%; no homozygotes.

Submission:

Labcorp Genetics (formerly Invitae), Labcorp
Classification: Uncertain significance for Hereditary breast ovarian cancer syndrome. Last evaluated: 2025-04-07. Review status: criteria provided, single submitter. Criteria: Invitae Variant Classification Sherloc (09022015). Collection method: clinical testing. Allele origin: germline.
Comment: This sequence change falls in intron 26 of the BRCA2 gene. It does not directly change the encoded amino acid sequence of the BRCA2 protein. It affects a nucleotide within the consensus splice site. This variant is present in population databases (no rsID available, gnomAD 0.01%). This variant has not been reported in the literature in individuals affected with BRCA2-related conditions. Variants that disrupt the consensus splice site are a relatively common cause of aberrant splicing (PMID: 17576681, 9536098). Algorithms developed to predict the effect of sequence changes on RNA splicing suggest that this variant is not likely to affect RNA splicing. In summary, the available evidence is currently insufficient to determine the role of this variant in disease. Therefore, it has been classified as a Variant of Uncertain Significance.

Literature cited by the submitters: PubMed 17576681; PubMed 9536098.